The following is an entry in ClinVar:

NM_001844.5(COL2A1):c.4281C>G (p.Ser1427Arg)

Gene: COL2A1 (collagen type II alpha 1 chain; minus strand). Cytogenetic location: 12q13.11.
Variant type: single nucleotide variant.
Coding change: c.4281C>G on transcript NM_001844.5 (MANE Select); coding-DNA position 4281, C replaced by G.
Protein change: p.Ser1427Arg; replaces serine 1427 with arginine.
Molecular consequence: missense variant.
Genome position (GRCh38, 1-based): chr12:47,974,125, G>C on the plus strand (C>G on the coding strand, the complement: COL2A1 is on the minus strand). VCF-style: chr12-47974125-G-C. GRCh37 (hg19) VCF-style: chr12-48367908-G-C.
Other names: c.4074C>G, p.Ser1358Arg (NM_033150.3); short protein forms S1427R, S1358R.
Identifiers: ClinVar variation 2013916 (VCV002013916.4), dbSNP rs1309298067, ClinGen allele CA384533468.

ClinVar aggregate classification (germline): Uncertain significance (1 of 4 stars; one submission).

Allele frequency attached by ClinVar (database versions not stated): gnomAD exomes below 0.00001.
gnomAD v4.1: 1 of 1,614,002 alleles (0.000062%); highest among the groups gnomAD compares: Non-Finnish European, 0.000085%; no homozygotes.

Submission:

Labcorp Genetics (formerly Invitae), Labcorp
Classification: Uncertain significance. Last evaluated: 2021-12-08. Review status: criteria provided, single submitter. Criteria: Invitae Variant Classification Sherloc (09022015). Collection method: clinical testing. Allele origin: germline.
Comment: In summary, the available evidence is currently insufficient to determine the role of this variant in disease. Therefore, it has been classified as a Variant of Uncertain Significance. Advanced modeling of protein sequence and biophysical properties (such as structural, functional, and spatial information, amino acid conservation, physicochemical variation, residue mobility, and thermodynamic stability) performed at Invitae indicates that this missense variant is not expected to disrupt COL2A1 protein function. This variant has not been reported in the literature in individuals affected with COL2A1-related conditions. This variant is not present in population databases (gnomAD no frequency). This sequence change replaces serine, which is neutral and polar, with arginine, which is basic and polar, at codon 1427 of the COL2A1 protein (p.Ser1427Arg).